The following is an entry in ClinVar:

NM_004333.6(BRAF):c.1493T>A (p.Phe498Tyr)

Gene: BRAF (B-Raf proto-oncogene, serine/threonine kinase; minus strand). Cytogenetic location: 7q34.
Variant type: single nucleotide variant.
Coding change: c.1493T>A on transcript NM_004333.6 (MANE Select); coding-DNA position 1493, T replaced by A.
Protein change: p.Phe498Tyr; replaces phenylalanine 498 with tyrosine.
Molecular consequence: missense variant.
Genome position (GRCh38, 1-based): chr7:140,778,015, A>T on the plus strand (T>A on the coding strand, the complement: BRAF is on the minus strand). VCF-style: chr7-140778015-A-T. GRCh37 (hg19) VCF-style: chr7-140477815-A-T.
Other names: c.1493T>A, p.Phe498Tyr (NM_001354609.2, NM_001378468.1, NM_001378474.1); c.1613T>A, p.Phe538Tyr (NM_001374244.1, NM_001374258.1); c.1502T>A, p.Phe501Tyr (NM_001378467.1); c.1427T>A, p.Phe476Tyr (NM_001378469.1); c.1391T>A, p.Phe464Tyr (NM_001378470.1); c.1382T>A, p.Phe461Tyr (NM_001378471.1); c.1337T>A, p.Phe446Tyr (NM_001378472.1, NM_001378473.1); c.1229T>A, p.Phe410Tyr (NM_001378475.1); short protein forms F498Y, F501Y, F538Y, F410Y, F446Y, F461Y, F464Y, F476Y.
Identifiers: ClinVar variation 279935 (VCV000279935.2), dbSNP rs886041264, ClinGen allele CA10602953.

ClinVar aggregate classification (germline): Likely pathogenic (1 of 4 stars; one submission).

Submission:

GeneDx
Classification: Likely pathogenic. Last evaluated: 2016-10-07. Review status: criteria provided, single submitter. Criteria: GeneDx Variant Classification (06012015). Collection method: clinical testing. Allele origin: germline. Affected: yes.
Comment: The F498Y variant has not been published as a pathogenic variant, nor has it been reported as a benign variant to our knowledge. It has been reported in a meeting abstract in association with cardio-faciocutaneous syndrome (Cheon et al., 2012). The F498Y variant was not observed in approximately 6,500 individuals of European and African American ancestry in the NHLBI Exome Sequencing Project, indicating it is not a common benign variant in these populations. F498Y is a non-conservative amino acid substitution, which is likely to impact secondary protein structure as these residues differ in polarity, charge, size and/or other properties. This substitution occurs at a position that is conserved across species, and in silico analysis predicts this variant is probably damaging to the protein structure/function. Missense variants in nearby residues (K499E/N, E501K/V/G/A) have been reported in the Human Gene Mutation Database in association with cardio-facio-cutaneous syndrome (Stenson et al., 2014), supporting the functional importance of this region of the protein. Therefore, we consider this variant to be likely pathogenic.